The following is an entry in ClinVar:

ClinVar aggregate classification (germline): Uncertain significance (1 of 4 stars; one submission).

Conditions:
Inborn genetic diseases. Identifiers: MedGen C0950123, MeSH D030342.

Submission:

Ambry Genetics
Classification: Uncertain significance for Inborn genetic diseases. Last evaluated: 2025-02-02. Review status: criteria provided, single submitter. Criteria: Ambry Variant Classification Scheme 2023. Collection method: clinical testing. Allele origin: germline.
Comment: The p.E825K variant (also known as c.2473G>A), located in coding exon 21 of the KDM1A gene, results from a G to A substitution at nucleotide position 2473. The glutamic acid at codon 825 is replaced by lysine, an amino acid with similar properties. This amino acid position is conserved. In addition, this alteration is predicted to be deleterious by in silico analysis. Based on the available evidence, the clinical significance of this variant remains unclear.

NM_001009999.3(KDM1A):c.2473G>A (p.Glu825Lys)

Gene: KDM1A (lysine demethylase 1A; plus strand). Cytogenetic location: 1p36.12.
Variant type: single nucleotide variant.
Coding change: c.2473G>A on transcript NM_001009999.3 (MANE Select); coding-DNA position 2473, G replaced by A.
Protein change: p.Glu825Lys; replaces glutamic acid 825 with lysine.
Molecular consequence: missense variant. On other transcripts: 3 prime UTR variant (1).
Genome position (GRCh38, 1-based): chr1:23,083,206, G>A. VCF-style: chr1-23083206-G-A. GRCh37 (hg19) VCF-style: chr1-23409699-G-A.
Other names: c.2419G>A, p.Glu807Lys (NM_001363654.2); c.2479G>A, p.Glu827Lys (NM_001410762.1); c.*721G>A (NM_001410763.1); c.2401G>A, p.Glu801Lys (NM_015013.4); short protein forms E807K, E827K, E801K, E825K.
Identifiers: ClinVar variation 3863303 (VCV003863303.1).
Genomic context (GRCh38, chr1:23,083,206, plus strand): 5'-GCCTGCCAATTTTCTCTTTTTCCCCTAAAATAGCCGATTCCACGACTCTTCTTTGCGGGA[G>A]AACATACGATCCGTAACTACCCAGCCACAGTGCATGGTGCTCTGCTGAGTGGGCTGCGAG-3'
Protein context (NP_001009999.1, residues 815-835): QPIPRLFFAG[Glu825Lys]HTIRNYPATV